The following is an entry in ClinVar:

NM_001457.4(FLNB):c.613G>T (p.Ala205Ser)

Gene: FLNB (filamin B; plus strand). Cytogenetic location: 3p14.3.
Variant type: single nucleotide variant.
Coding change: c.613G>T on transcript NM_001457.4 (MANE Select); coding-DNA position 613, G replaced by T.
Protein change: p.Ala205Ser; replaces alanine 205 with serine.
Molecular consequence: missense variant.
Genome position (GRCh38, 1-based): chr3:58,078,788, G>T. VCF-style: chr3-58078788-G-T. GRCh37 (hg19) VCF-style: chr3-58064515-G-T.
Other names: c.613G>T, p.Ala205Ser (NM_001164317.2, NM_001164318.2, NM_001164319.2); short protein forms A205S.
Identifiers: ClinVar variation 1452279 (VCV001452279.8), dbSNP rs2106952084, ClinGen allele CA353333917.

ClinVar aggregate classification (germline): Pathogenic (1 of 4 stars; one submission).

Submission:

Labcorp Genetics (formerly Invitae), Labcorp
Classification: Pathogenic. Last evaluated: 2021-03-25. Review status: criteria provided, single submitter. Criteria: Invitae Variant Classification Sherloc (09022015). Collection method: clinical testing. Allele origin: germline.
Comment: This variant is not present in population databases (ExAC no frequency). This variant has been observed in individual(s) with clinical features of autosomal dominant FLNB-related conditions (Invitae). In at least one individual the variant was observed to be de novo. Advanced modeling of protein sequence and biophysical properties (such as structural, functional, and spatial information, amino acid conservation, physicochemical variation, residue mobility, and thermodynamic stability) performed at Invitae indicates that this missense variant is expected to disrupt FLNB protein function. For these reasons, this variant has been classified as Pathogenic. This sequence change replaces alanine with serine at codon 205 of the FLNB protein (p.Ala205Ser). The alanine residue is highly conserved and there is a moderate physicochemical difference between alanine and serine.